The following is an entry in ClinVar:

NM_000517.6(HBA2):c.91_93del (p.Glu31del)

Genes: HBA2 (hemoglobin subunit alpha 2; plus strand), LOC106804612 (hemoglobin subunit alpha 2 recombination region; plus strand). Cytogenetic location: 16p13.3.
Variant type: Deletion.
Coding change: c.91_93del on transcript NM_000517.6 (MANE Select); coding-DNA positions 91 to 93, 3 bases deleted (GAG; older notation c.91_93delGAG).
Protein change: p.Glu31del; deletes glutamic acid 31.
Molecular consequence: inframe deletion.
Genome position (GRCh38, 1-based): chr16:173,003-173,005, GAG deleted; deleting any 3 consecutive bases within chr16:173,002-173,005 gives the same sequence; the c. name uses the placement nearest the transcript's 3' end. VCF-style (leftmost placement, unchanged base first): chr16-173001-TGGA-T. GRCh37 (hg19) VCF-style: chr16-223000-TGGA-T.
Other names: short protein forms E31del.
Identifiers: ClinVar variation 439125 (VCV000439125.13), dbSNP rs281864560, ClinGen allele CA276414487.

ClinVar aggregate classification (germline): Likely pathogenic. Review status: criteria provided, multiple submitters, no conflicts (2 of 4 stars). 3 submissions from 3 submitters: Likely pathogenic (2). 1 of the submissions does not count toward it. Last evaluated 2023-04-12.

Conditions:
HEMOGLOBIN H HYDROPS FETALIS SYNDROME. Identifiers: MedGen C3278365.

Submissions (3):

ARUP Laboratories, Molecular Genetics and Genomics, ARUP Laboratories
Classification: Likely pathogenic. Last evaluated: 2023-04-12. Review status: criteria provided, single submitter. Criteria: ARUP Molecular Germline Variant Investigation Process 2024. Collection method: clinical testing. Allele origin: germline.
Comment: The HBA2 c.91_93delGAG; p.Glu31del variant (also known as codon 30 (-GAG) or as Glu30del when numbered from the mature protein, rs281864560, HbVar ID: 2776) is reported in the literature in multiple individuals affected with Hb H disease in trans to large deletions of HBA1 and HBA2 (Chan 1997, Chen 2000, Yang 2013). The p.Glu31del variant is also reported in heterozygous individuals with mild microcytosis and hypochromia (Yang 2013, HbVar database). This variant is absent from the Genome Aggregation Database, indicating it is not a common polymorphism. This variant deletes a single glutamate residue, leaving the rest of the protein in-frame. Based on available information, this variant is considered to be likely pathogenic. References: Link to HbVar database: Chan V et al. Molecular defects in Hb H hydrops fetalis. Br J Haematol. 1997 Feb;96(2):224-8. PMID: 9029003. Chen FE et al. Genetic and clinical features of hemoglobin H disease in Chinese patients. N Engl J Med. 2000 Aug 24;343(8):544-50. PMID: 10954762. Yang Y and Li DZ. CODON 30 (-GAG) (a2): hematological parameters in heterozygotes and also patients with Hb H disease. Hemoglobin. 2013;37(6):599-603. PMID: 23822871.

Quest Diagnostics Nichols Institute San Juan Capistrano
Classification: Likely pathogenic. Last evaluated: 2017-03-08. Review status: criteria provided, single submitter. Criteria: Quest Diagnostics criteria. Collection method: clinical testing. Allele origin: germline.

OMIM
Classification: other for HEMOGLOBIN H HYDROPS FETALIS SYNDROME. Last evaluated: 2022-09-12. Review status: no assertion criteria provided. Collection method: literature only. Allele origin: germline. Not counted in ClinVar's aggregate classification.

Literature cited by the submitters: PubMed 9029003 (cited by Quest Diagnostics Nichols Institute San Juan Capistrano and OMIM); PubMed 23822871 (cited by Quest Diagnostics Nichols Institute San Juan Capistrano); PubMed 20412082 (cited by Quest Diagnostics Nichols Institute San Juan Capistrano); PubMed 20507641 (cited by Quest Diagnostics Nichols Institute San Juan Capistrano); PubMed 11722414 (cited by OMIM).